The following is an entry in ClinVar:

ClinVar aggregate classification (germline): Conflicting classifications of pathogenicity. Review status: criteria provided, conflicting classifications (1 of 4 stars). 6 submissions from 6 submitters: Uncertain significance (1); Likely benign (5). Last evaluated 2026-05-07.

Conditions:
Charcot-Marie-Tooth disease type 4B3. Also called: Charcot-Marie-Tooth Neuropathy Type 4B3; CHARCOT-MARIE-TOOTH DISEASE, DEMYELINATING, TYPE 4B3. Identifiers: Orphanet 363981, MedGen C3695063, MONDO:0014117, OMIM 615284.
SBF1-related disorder. Also called: SBF1-related condition.

Allele frequency attached by ClinVar (database versions not stated): TOPMed 0.00050; gnomAD 0.00053 and 0.00061; 1000 Genomes Project 0.00060; 1000 Genomes Project 30x 0.00062; gnomAD exomes 0.00081; ExAC 0.00112.
gnomAD v4.1: 1,444 of 1,463,788 alleles (0.099%); highest among the groups gnomAD compares: South Asian, 0.24%; 3 homozygotes.

Submissions (6):

Women's Health and Genetics/Laboratory Corporation of America, LabCorp
Classification: Likely benign. Last evaluated: 2026-05-07. Review status: criteria provided, single submitter. Criteria: LabCorp Variant Classification Summary - May 2015. Collection method: clinical testing. Allele origin: germline.

Labcorp Genetics (formerly Invitae), Labcorp
Classification: Likely benign. Last evaluated: 2025-12-30. Review status: criteria provided, single submitter. Criteria: Invitae Variant Classification Sherloc (09022015). Collection method: clinical testing. Allele origin: germline.

PreventionGenetics, part of Exact Sciences
Classification: Likely benign for SBF1-related condition. Last evaluated: 2025-04-03. Review status: criteria provided, single submitter. Criteria: ACMG Guidelines, 2015. Collection method: clinical testing. Allele origin: germline.
Comment: This variant is classified as likely benign based on ACMG/AMP sequence variant interpretation guidelines (Richards et al. 2015 PMID: 25741868, with internal and published modifications).

Blueprint Genetics
Classification: Uncertain significance. Last evaluated: 2024-10-08. Review status: criteria provided, single submitter. Criteria: ACMG Guidelines, 2015. Collection method: clinical testing. Allele origin: germline.

GeneDx
Classification: Likely benign. Last evaluated: 2020-09-22. Review status: criteria provided, single submitter. Criteria: GeneDx Variant Classification Process June 2021. Collection method: clinical testing. Allele origin: germline. Affected: yes.

ARUP Laboratories, Molecular Genetics and Genomics, ARUP Laboratories
Classification: Likely benign for Charcot-Marie-Tooth disease type 4B3. Last evaluated: 2019-04-25. Review status: criteria provided, single submitter. Criteria: ARUP Molecular Germline Variant Investigation Process. Collection method: clinical testing. Allele origin: germline.

NM_002972.4(SBF1):c.3905-9C>T

Gene: SBF1 (SET binding factor 1; minus strand). Cytogenetic location: 22q13.33.
Variant type: single nucleotide variant.
Coding change: c.3905-9C>T on transcript NM_002972.4 (MANE Select); 9 bases into the intron before coding-DNA position 3905, C replaced by T.
Molecular consequence: intron variant.
Genome position (GRCh38, 1-based): chr22:50,456,682, G>A on the plus strand (C>T on the coding strand, the complement: SBF1 is on the minus strand). VCF-style: chr22-50456682-G-A. GRCh37 (hg19) VCF-style: chr22-50895111-G-A.
Other names: c.3905-9C>T (NM_002972.3); c.3830-9C>T (NM_001365819.1).
Identifiers: ClinVar variation 811448 (VCV000811448.21), dbSNP rs574807761, ClinGen allele CA10316475.